The following is an entry in ClinVar:

NM_002880.4(RAF1):c.1790C>T (p.Pro597Leu)

Gene: RAF1 (Raf-1 proto-oncogene, serine/threonine kinase; minus strand). Cytogenetic location: 3p25.2.
Variant type: single nucleotide variant.
Coding change: c.1790C>T on transcript NM_002880.4 (MANE Select); coding-DNA position 1790, C replaced by T.
Protein change: p.Pro597Leu; replaces proline 597 with leucine.
Molecular consequence: missense variant. On other transcripts: non-coding transcript variant (3).
Genome position (GRCh38, 1-based): chr3:12,584,860, G>A on the plus strand (C>T on the coding strand, the complement: RAF1 is on the minus strand). VCF-style: chr3-12584860-G-A. GRCh37 (hg19) VCF-style: chr3-12626359-G-A.
Other names: c.1850C>T, p.Pro617Leu (NM_001354689.3); c.1790C>T, p.Pro597Leu (NM_001354690.3); c.1547C>T, p.Pro516Leu (NM_001354691.3, NM_001354692.3); c.1691C>T, p.Pro564Leu (NM_001354693.3); c.1607C>T, p.Pro536Leu (NM_001354694.3); c.1448C>T, p.Pro483Leu (NM_001354695.3); short protein forms P483L, P516L, P536L, P564L, P597L, P617L.
Identifiers: ClinVar variation 3604442 (VCV003604442.2).
Genomic context (GRCh38, chr3:12,584,860, plus strand): 5'-CGAACCAACCCATGCTTTAATCACATTCTAGCAGCCCTGAGCCTTACCTGGGGAAAAAGA[G>A]GCCTCTCTTCCTTTACTTTCTTCACACAGTCAGCTACCAGCCTCTTCATTGCTTTGGGGC-3'
Protein context (NP_002871.1, residues 587-607): DCVKKVKEER[Pro597Leu]LFPQILSSIE

ClinVar aggregate classification (germline): Uncertain significance (1 of 4 stars; one submission).

Conditions:
RASopathy. Also called: Noonan spectrum disorder; rasopathies. Identifiers: Orphanet 536391, MedGen C5555857, MONDO:0021060.

Submission:

Labcorp Genetics (formerly Invitae), Labcorp
Classification: Uncertain significance for RASopathy. Last evaluated: 2024-12-10. Review status: criteria provided, single submitter. Criteria: Invitae Variant Classification Sherloc (09022015). Collection method: clinical testing. Allele origin: germline.
Comment: This sequence change replaces proline, which is neutral and non-polar, with leucine, which is neutral and non-polar, at codon 597 of the RAF1 protein (p.Pro597Leu). This variant is not present in population databases (gnomAD no frequency). This variant has not been reported in the literature in individuals affected with RAF1-related conditions. Invitae Evidence Modeling of protein sequence and biophysical properties (such as structural, functional, and spatial information, amino acid conservation, physicochemical variation, residue mobility, and thermodynamic stability) indicates that this missense variant is expected to disrupt RAF1 protein function with a positive predictive value of 95%. In summary, the available evidence is currently insufficient to determine the role of this variant in disease. Therefore, it has been classified as a Variant of Uncertain Significance.